The following is an entry in ClinVar:

NM_001113378.2(FANCI):c.3030del (p.Ser1011fs)

Gene: FANCI (FA complementation group I; plus strand). Cytogenetic location: 15q26.1.
Variant type: Deletion.
Coding change: c.3030del on transcript NM_001113378.2 (MANE Select); coding-DNA position 3030, one base deleted (A; older notation c.3030delA).
Protein change: p.Ser1011fs; shifts the reading frame from serine 1011.
Molecular consequence: frameshift variant.
Genome position (GRCh38, 1-based): chr15:89,303,887, A deleted. VCF-style (leftmost placement, unchanged base first): chr15-89303886-CA-C. GRCh37 (hg19) VCF-style: chr15-89847117-CA-C.
Other names: c.2751del, p.Ser918fs (NM_001376910.1); c.3030del, p.Ser1011fs (NM_001376911.1); c.2850del, p.Ser951fs (NM_018193.3); short protein forms S1011fs, S918fs, S951fs.
Identifiers: ClinVar variation 4738904 (VCV004738904.1).

ClinVar aggregate classification (germline): Pathogenic (1 of 4 stars; one submission).

Conditions:
Fanconi anemia (FA). Also called: Fanconi's anemia. Identifiers: Orphanet 84, MedGen C0015625, MeSH D005199, MONDO:0019391.

Submission:

Labcorp Genetics (formerly Invitae), Labcorp
Classification: Pathogenic for Fanconi anemia. Last evaluated: 2026-01-28. Review status: criteria provided, single submitter. Criteria: Invitae Variant Classification Sherloc (09022015). Collection method: clinical testing. Allele origin: germline.
Comment: This sequence change creates a premature translational stop signal (p.Ser1011Glnfs*18) in the FANCI gene. It is expected to result in an absent or disrupted protein product. Loss-of-function variants in FANCI are known to be pathogenic (PMID: 17452773, 17460694). This variant is not present in population databases (gnomAD no frequency). This variant has not been reported in the literature in individuals affected with FANCI-related conditions. For these reasons, this variant has been classified as Pathogenic.

Literature cited by the submitters: PubMed 17452773; PubMed 17460694.